The following is an entry in ClinVar:

ClinVar aggregate classification (germline): Pathogenic/Likely pathogenic. Review status: criteria provided, multiple submitters, no conflicts (2 of 4 stars). 4 submissions from 4 submitters: Pathogenic (1); Likely pathogenic (2). 1 of the submissions does not count toward it. Last evaluated 2023-07-16.

Conditions:
Polycystic kidney disease 4 (PKD4). Also called: PKD3; POLYCYSTIC KIDNEY DISEASE 4 WITH OR WITHOUT POLYCYSTIC LIVER DISEASE; Autosomal Recessive Polycystic Kidney Disease – PKHD1; POLYCYSTIC KIDNEY AND HEPATIC DISEASE 1; POLYCYSTIC KIDNEY DISEASE, INFANTILE, TYPE I. Identifiers: MedGen C4540575, MONDO:0033004, OMIM 263200.
PKHD1-related disorder. Also called: PKHD1-related condition.
Autosomal recessive polycystic kidney disease (ARPKD). Also called: AR polycystic kidney disease. Identifiers: Orphanet 731, Orphanet 8378, MedGen C0085548, MeSH D017044, MONDO:0009889.

Allele frequency attached by ClinVar (database versions not stated): gnomAD exomes below 0.00001 and 0.00001; TOPMed below 0.00001; gnomAD 0.00001; ExAC 0.00002.
gnomAD v4.1: 4 of 1,546,484 alleles (0.00026%); highest among the groups gnomAD compares: Non-Finnish European, 0.00036%; no homozygotes.

Submissions (4):

Victorian Clinical Genetics Services, Murdoch Childrens Research Institute
Classification: Pathogenic for Polycystic kidney disease 4. Last evaluated: 2023-07-16. Review status: criteria provided, single submitter. Criteria: ACMG Guidelines, 2015. Collection method: clinical testing. Allele origin: germline. Inheritance: Autosomal recessive inheritance. Affected: yes.
Comment: Based on the classification scheme VCGS_Germline_v1.3.4, this variant is classified as Pathogenic. Following criteria are met: 0102 - Loss of function is a known mechanism of disease in this gene and is associated with polycystic kidney disease 4, with or without hepatic disease (MIM#263200). (I) 0106 - This gene is associated with autosomal recessive disease. (I) 0211 - Canonical splice site variant without proven consequence on splicing (no functional evidence available). (SP) 0251 - This variant is heterozygous. (I) 0304 - Variant is present in gnomAD (v2) <0.01 for a recessive condition (2 heterozygotes, 0 homozygotes). (SP) 0505 - Abnormal splicing is predicted by in silico tool and affected nucleotide is highly conserved. (SP) 0704 - Another splice variant comparable to the one identified in this case has limited previous evidence for pathogenicity. This splice variant (c.11398+1G>A) has been reported in a compound heterozygous patient with autosomal recessive polycystic kidney disease (PMID: 26673778). (SP) 0803 - This variant has limited previous evidence of pathogenicity in an individual. This variant has been reported as likely pathogenic (ClinVar). (SP) 0905 - No published segregation evidence has been identified for this variant. (I) 1007 - No published functional evidence has been identified for this variant. (I) 1201 - Heterozygous variant detected in trans with a second pathogenic heterozygous variant (NM_138694.3:c.5895dup; p.(Leu1966Thrfs*4)) in a recessive disease. (I) Legend: (SP) - Supporting pathogenic, (I) - Information, (SB) - Supporting benign

Blueprint Genetics
Classification: Likely pathogenic for PKHD1-related disorders. Last evaluated: 2022-08-30. Review status: criteria provided, single submitter. Criteria: ACMG Guidelines, 2015. Collection method: clinical testing. Allele origin: germline. Affected: yes. Observed: 2 variant alleles.

Labcorp Genetics (formerly Invitae), Labcorp
Classification: Likely pathogenic for Autosomal recessive polycystic kidney disease. Last evaluated: 2022-01-11. Review status: criteria provided, single submitter. Criteria: Invitae Variant Classification Sherloc (09022015). Collection method: clinical testing. Allele origin: germline.
Comment: In summary, the currently available evidence indicates that the variant is pathogenic, but additional data are needed to prove that conclusively. Therefore, this variant has been classified as Likely Pathogenic. Algorithms developed to predict the effect of sequence changes on RNA splicing suggest that this variant may disrupt the consensus splice site. ClinVar contains an entry for this variant (Variation ID: 656036). This variant has not been reported in the literature in individuals affected with PKHD1-related conditions. This variant is present in population databases (rs754038777, gnomAD 0.002%). This sequence change affects a donor splice site in intron 63 of the PKHD1 gene. It is expected to disrupt RNA splicing. Variants that disrupt the donor or acceptor splice site typically lead to a loss of protein function (PMID: 16199547), and loss-of-function variants in PKHD1 are known to be pathogenic (PMID: 19940839).

Natera, Inc.
Classification: Likely pathogenic for Autosomal recessive polycystic kidney disease. Last evaluated: 2017-11-07. Review status: no assertion criteria provided. Collection method: clinical testing. Allele origin: germline. Not counted in ClinVar's aggregate classification.

Literature cited by the submitters: PubMed 26673778 (cited by Victorian Clinical Genetics Services, Murdoch Childrens Research Institute); PubMed 16199547 (cited by Labcorp Genetics (formerly Invitae), Labcorp); PubMed 19940839 (cited by Labcorp Genetics (formerly Invitae), Labcorp).

NM_138694.4(PKHD1):c.11398+2T>C

Gene: PKHD1 (PKHD1 ciliary IPT domain containing fibrocystin/polyductin; minus strand). Cytogenetic location: 6p12.3.
Variant type: single nucleotide variant.
Coding change: c.11398+2T>C on transcript NM_138694.4 (MANE Select); the canonical splice donor site of the intron after coding-DNA position 11398, T replaced by C.
Molecular consequence: splice donor variant.
Genome position (GRCh38, 1-based): chr6:51,648,029, A>G on the plus strand (T>C on the coding strand, the complement: PKHD1 is on the minus strand). VCF-style: chr6-51648029-A-G. GRCh37 (hg19) VCF-style: chr6-51512827-A-G.
Identifiers: ClinVar variation 656036 (VCV000656036.15), dbSNP rs754038777, ClinGen allele CA3850881.